The following is an entry in ClinVar:

NM_001145308.5(LRTOMT):c.34+331T>G

Genes: LRRC51 (leucine rich repeat containing 51; plus strand), LRTOMT (leucine rich transmembrane and O-methyltransferase domain containing; plus strand). Cytogenetic location: 11q13.4.
Variant type: single nucleotide variant.
Coding change: c.34+331T>G on transcript NM_001145308.5; 331 bases into the intron after coding-DNA position 34, T replaced by G.
Molecular consequence: intron variant. On other transcripts: missense variant (3), 3 prime UTR variant (1), non-coding transcript variant (2).
Genome position (GRCh38, 1-based): chr11:72,095,427, T>G. VCF-style: chr11-72095427-T-G. GRCh37 (hg19) VCF-style: chr11-71806473-T-G.
Other names: c.432T>G, p.Ser144Arg (NM_001205138.4); c.*327T>G (NM_001271471.3); c.486T>G, p.Ser162Arg (NM_001318803.2, NM_145309.6); c.34+331T>G (NM_001145309.4, NM_001145310.4); c.437+331T>G (NM_001145307.5); short protein forms S144R, S162R.
Identifiers: ClinVar variation 4280953 (VCV004280953.7).

ClinVar aggregate classification (germline): Uncertain significance (1 of 4 stars; one submission).

gnomAD v4.1: 137 of 1,614,056 alleles (0.0085%); highest among the groups gnomAD compares: African/African-American, 0.14%; 1 homozygote.

Submission:

CeGaT Center for Human Genetics Tuebingen
Classification: Uncertain significance. Last evaluated: 2025-09-01. Review status: criteria provided, single submitter. Criteria: CeGaT Center For Human Genetics Tuebingen Variant Classification Criteria Version 2. Collection method: clinical testing. Allele origin: germline. Affected: yes. Observed: 1 variant allele.
Comment: LRTOMT: PM2